The following is an entry in ClinVar:

NM_000179.3(MSH6):c.1701G>C (p.Lys567Asn)

Gene: MSH6 (mutS homolog 6; plus strand). Cytogenetic location: 2p16.3.
Variant type: single nucleotide variant.
Coding change: c.1701G>C on transcript NM_000179.3 (MANE Select); coding-DNA position 1701, G replaced by C.
Protein change: p.Lys567Asn; replaces lysine 567 with asparagine.
Molecular consequence: missense variant.
Genome position (GRCh38, 1-based): chr2:47,799,684, G>C. VCF-style: chr2-47799684-G-C. GRCh37 (hg19) VCF-style: chr2-48026823-G-C.
Other names: c.1311G>C, p.Lys437Asn (NM_001281492.2); c.795G>C, p.Lys265Asn (NM_001281493.2, NM_001281494.2); short protein forms K567N, K265N, K437N.
Identifiers: ClinVar variation 455150 (VCV000455150.17), dbSNP rs752435825, ClinGen allele CA068029.

ClinVar aggregate classification (germline): Conflicting classifications of pathogenicity. Review status: criteria provided, conflicting classifications (1 of 4 stars). 4 submissions from 4 submitters: Uncertain significance (3); Benign (1). Last evaluated 2024-07-06.

Conditions:
Hereditary nonpolyposis colorectal neoplasms. Identifiers: MedGen C0009405, MeSH D003123.
Hereditary cancer-predisposing syndrome. Also called: Hereditary Cancer Syndrome; Hereditary neoplastic syndrome; Neoplastic Syndromes, Hereditary; Tumor predisposition. Identifiers: Orphanet 140162, MedGen C0027672, MeSH D009386, MONDO:0015356.
Endometrial carcinoma. Also called: Endometrial carcinoma, somatic. Identifiers: MedGen C0476089, MONDO:0002447, OMIM 608089, HP:0012114.

Allele frequency attached by ClinVar (database versions not stated): ExAC 0.00001; gnomAD 0.00001; gnomAD exomes 0.00001; TOPMed 0.00001.
gnomAD v4.1: 3 of 1,614,018 alleles (0.00019%); highest among the groups gnomAD compares: East Asian, 0.0067%; no homozygotes.

Submissions (4):

Labcorp Genetics (formerly Invitae), Labcorp
Classification: Benign for Hereditary nonpolyposis colorectal neoplasms. Last evaluated: 2024-07-06. Review status: criteria provided, single submitter. Criteria: Invitae Variant Classification Sherloc (09022015). Collection method: clinical testing. Allele origin: germline.

Ambry Genetics
Classification: Uncertain significance for Hereditary cancer-predisposing syndrome. Last evaluated: 2024-04-14. Review status: criteria provided, single submitter. Criteria: Ambry Variant Classification Scheme 2023. Collection method: clinical testing. Allele origin: germline.
Comment: The p.K567N variant (also known as c.1701G>C), located in coding exon 4 of the MSH6 gene, results from a G to C substitution at nucleotide position 1701. The lysine at codon 567 is replaced by asparagine, an amino acid with similar properties. This amino acid position is conserved. In addition, this alteration is predicted to be tolerated by in silico analysis. Since supporting evidence is limited at this time, the clinical significance of this alteration remains unclear.

Color Diagnostics, LLC DBA Color Health
Classification: Uncertain significance for Hereditary cancer-predisposing syndrome. Last evaluated: 2024-03-06. Review status: criteria provided, single submitter. Criteria: ACMG Guidelines, 2015. Collection method: clinical testing. Allele origin: germline.
Comment: This missense variant replaces lysine with asparagine at codon 567 of the MSH6 protein. Computational prediction suggests that this variant may not impact protein structure and function (internally defined REVEL score threshold <= 0.5, PMID: 27666373). Splice site prediction tools suggest that this variant may not impact RNA splicing. To our knowledge, functional studies have not been performed for this variant. This variant has not been reported in individuals affected with hereditary cancer in the literature. This variant has been identified in 3/281674 chromosomes in the general population by the Genome Aggregation Database (gnomAD). The available evidence is insufficient to determine the role of this variant in disease conclusively. Therefore, this variant is classified as a Variant of Uncertain Significance.

Baylor Genetics
Classification: Uncertain significance for Endometrial carcinoma. Last evaluated: 2024-01-11. Review status: criteria provided, single submitter. Criteria: ACMG Guidelines, 2015. Collection method: clinical testing. Allele origin: unknown.